The following is an entry in ClinVar:

NM_212482.4(FN1):c.4394T>C (p.Phe1465Ser)

Gene: FN1 (fibronectin 1; minus strand). Cytogenetic location: 2q35.
Variant type: single nucleotide variant.
Coding change: c.4394T>C on transcript NM_212482.4 (MANE Select); coding-DNA position 4394, T replaced by C.
Protein change: p.Phe1465Ser; replaces phenylalanine 1465 with serine.
Molecular consequence: missense variant.
Genome position (GRCh38, 1-based): chr2:215,386,907, A>G on the plus strand (T>C on the coding strand, the complement: FN1 is on the minus strand). VCF-style: chr2-215386907-A-G. GRCh37 (hg19) VCF-style: chr2-216251630-A-G.
Other names: c.4394T>C, p.Phe1465Ser (NM_001306129.2, NM_001306130.2, NM_001365517.2 and 3 more transcripts); c.4121T>C, p.Phe1374Ser (NM_001306131.2, NM_001306132.2, NM_001365518.2 and 7 more transcripts); short protein forms F1374S, F1465S.
Identifiers: ClinVar variation 4727495 (VCV004727495.1).

ClinVar aggregate classification (germline): Uncertain significance (1 of 4 stars; one submission).

gnomAD v4.1: 1 of 1,613,528 alleles (0.000062%); highest among the groups gnomAD compares: East Asian, 0.0022%; no homozygotes.

Submission:

Labcorp Genetics (formerly Invitae), Labcorp
Classification: Uncertain significance. Last evaluated: 2025-11-01. Review status: criteria provided, single submitter. Criteria: Invitae Variant Classification Sherloc (09022015). Collection method: clinical testing. Allele origin: germline.
Comment: This sequence change replaces phenylalanine, which is neutral and non-polar, with serine, which is neutral and polar, at codon 1465 of the FN1 protein (p.Phe1465Ser). This variant is present in population databases (rs550281949, gnomAD 0.006%). This variant has not been reported in the literature in individuals affected with FN1-related conditions. An algorithm developed to predict the effect of missense changes on protein structure and function (PolyPhen-2) suggests that this variant is likely to be disruptive. In summary, the available evidence is currently insufficient to determine the role of this variant in disease. Therefore, it has been classified as a Variant of Uncertain Significance.